The following is an entry in ClinVar:

ClinVar aggregate classification (germline): Likely benign. Review status: criteria provided, multiple submitters, no conflicts (2 of 4 stars). 2 submissions from 2 submitters: Likely benign (2). Last evaluated 2026-01-01.

Allele frequency attached by ClinVar (database versions not stated): 1000 Genomes Project 0.00359; 1000 Genomes Project 30x 0.00390; ESP Exome Variant Server 0.00469.
gnomAD v4.1: 1,206 of 1,613,202 alleles (0.075%); highest among the groups gnomAD compares: African/African-American, 1.4%; 4 homozygotes.

Submissions (2):

CeGaT Center for Human Genetics Tuebingen
Classification: Likely benign. Last evaluated: 2026-01-01. Review status: criteria provided, single submitter. Criteria: CeGaT Center For Human Genetics Tuebingen Variant Classification Criteria Version 2. Collection method: clinical testing. Allele origin: germline. Affected: yes. Observed: 2 variant alleles.
Comment: GRIA4: BP4, BP7, BS1

Blueprint Genetics
Classification: Likely benign. Last evaluated: 2024-10-15. Review status: criteria provided, single submitter. Criteria: ACMG Guidelines, 2015. Collection method: clinical testing. Allele origin: germline.

NM_000829.4(GRIA4):c.2226G>T (p.Thr742=)

Gene: GRIA4 (glutamate ionotropic receptor AMPA type subunit 4; plus strand). Cytogenetic location: 11q22.3.
Variant type: single nucleotide variant.
Coding change: c.2226G>T on transcript NM_000829.4 (MANE Select); coding-DNA position 2226, G replaced by T.
Protein change: p.Thr742=; no amino-acid change (threonine 742 retained).
Molecular consequence: synonymous variant. On other transcripts: non-coding transcript variant (1).
Genome position (GRCh38, 1-based): chr11:105,933,901, G>T. VCF-style: chr11-105933901-G-T. GRCh37 (hg19) VCF-style: chr11-105804627-G-T.
Other names: c.2226G>T, p.Thr742= (NM_001077243.3).
Identifiers: ClinVar variation 2642341 (VCV002642341.25), dbSNP rs116431428, ClinGen allele CA6258760.